The following is an entry in ClinVar:

NM_020754.4(ARHGAP31):c.1824G>A (p.Pro608=)

Gene: ARHGAP31 (Rho GTPase activating protein 31; plus strand). Cytogenetic location: 3q13.33.
Variant type: single nucleotide variant.
Coding change: c.1824G>A on transcript NM_020754.4 (MANE Select); coding-DNA position 1824, G replaced by A.
Protein change: p.Pro608=; no amino-acid change (proline 608 retained).
Molecular consequence: synonymous variant.
Genome position (GRCh38, 1-based): chr3:119,409,674, G>A. VCF-style: chr3-119409674-G-A. GRCh37 (hg19) VCF-style: chr3-119128521-G-A.
Other names: c.1824G>A (NM_020754.3).
Identifiers: ClinVar variation 193920 (VCV000193920.7), dbSNP rs760570856, ClinGen allele CA239651.

ClinVar aggregate classification (germline): Conflicting classifications of pathogenicity. Review status: criteria provided, conflicting classifications (1 of 4 stars). 3 submissions from 3 submitters: Uncertain significance (2); Likely benign (1). Last evaluated 2025-03-20.

Conditions:
ARHGAP31-related disorder. Also called: ARHGAP31-related condition.

Allele frequency attached by ClinVar (database versions not stated): gnomAD exomes 0.00002 and 0.00003; ExAC 0.00003; gnomAD 0.00003; TOPMed 0.00004.
gnomAD v4.1: 40 of 1,611,350 alleles (0.0025%); highest among the groups gnomAD compares: East Asian, 0.0067%; no homozygotes.

Submissions (3):

PreventionGenetics, part of Exact Sciences
Classification: Likely benign for ARHGAP31-related condition. Last evaluated: 2025-03-20. Review status: criteria provided, single submitter. Criteria: ACMG Guidelines, 2015. Collection method: clinical testing. Allele origin: germline.
Comment: This variant is classified as likely benign based on ACMG/AMP sequence variant interpretation guidelines (Richards et al. 2015 PMID: 25741868, with internal and published modifications).

Eurofins Ntd Llc (ga)
Classification: Uncertain significance. Last evaluated: 2015-04-22. Review status: criteria provided, single submitter. Criteria: EGL Classification Definitions 2015. Collection method: clinical testing. Allele origin: germline. Observed: 1 variant allele, 1 heterozygote.

Breakthrough Genomics
Classification: Uncertain significance. Review status: criteria provided, single submitter. Criteria: ACMG Guidelines, 2015. Collection method: not provided. Allele origin: germline. Inheritance: Autosomal dominant inheritance. Affected: yes.